The following is an entry in ClinVar:

ClinVar aggregate classification (germline): Uncertain significance. Review status: criteria provided, multiple submitters, no conflicts (2 of 4 stars). 2 submissions from 2 submitters: Uncertain significance (2). Last evaluated 2022-08-22.

Conditions:
Idiopathic Pulmonary Fibrosis. Also called: Idiopathic fibrosing alveolitis, chronic form; idiopathic fibrosing alveolitis. Identifiers: Orphanet 2032, MedGen C1800706, MeSH D054990, MONDO:0800504.
Dyskeratosis congenita, autosomal dominant 2. Identifiers: MedGen C3151443, MONDO:0013521, OMIM 613989.
Dyskeratosis congenita. Identifiers: Orphanet 1775, MedGen C0265965, MONDO:0015780.

Submissions (2):

Ambry Genetics
Classification: Uncertain significance for Dyskeratosis congenita. Last evaluated: 2022-08-22. Review status: criteria provided, single submitter. Criteria: Ambry Variant Classification Scheme 2023. Collection method: clinical testing. Allele origin: germline.
Comment: The p.Q183E variant (also known as c.547C>G), located in coding exon 2 of the TERT gene, results from a C to G substitution at nucleotide position 547. The glutamine at codon 183 is replaced by glutamic acid, an amino acid with highly similar properties. This amino acid position is conserved. In addition, this alteration is predicted to be tolerated by in silico analysis. Since supporting evidence is limited at this time, the clinical significance of this alteration remains unclear.

Labcorp Genetics (formerly Invitae), Labcorp
Classification: Uncertain significance for Dyskeratosis congenita, autosomal dominant 2; Idiopathic Pulmonary Fibrosis. Last evaluated: 2022-06-21. Review status: criteria provided, single submitter. Criteria: Invitae Variant Classification Sherloc (09022015). Collection method: clinical testing. Allele origin: germline.
Comment: In summary, the available evidence is currently insufficient to determine the role of this variant in disease. Therefore, it has been classified as a Variant of Uncertain Significance. Advanced modeling of protein sequence and biophysical properties (such as structural, functional, and spatial information, amino acid conservation, physicochemical variation, residue mobility, and thermodynamic stability) performed at Invitae indicates that this missense variant is not expected to disrupt TERT protein function. ClinVar contains an entry for this variant (Variation ID: 654955). This variant has not been reported in the literature in individuals affected with TERT-related conditions. This variant is not present in population databases (gnomAD no frequency). This sequence change replaces glutamine, which is neutral and polar, with glutamic acid, which is acidic and polar, at codon 183 of the TERT protein (p.Gln183Glu).

NM_198253.3(TERT):c.547C>G (p.Gln183Glu)

Gene: TERT (telomerase reverse transcriptase; minus strand). Cytogenetic location: 5p15.33.
Variant type: single nucleotide variant.
Coding change: c.547C>G on transcript NM_198253.3 (MANE Select); coding-DNA position 547, C replaced by G.
Protein change: p.Gln183Glu; replaces glutamine 183 with glutamic acid.
Molecular consequence: missense variant. On other transcripts: non-coding transcript variant (2).
Genome position (GRCh38, 1-based): chr5:1,294,339, G>C on the plus strand (C>G on the coding strand, the complement: TERT is on the minus strand). VCF-style: chr5-1294339-G-C. GRCh37 (hg19) VCF-style: chr5-1294454-G-C.
Other names: c.547C>G, p.Gln183Glu (NM_001193376.3); short protein forms Q183E.
Identifiers: ClinVar variation 654955 (VCV000654955.11), dbSNP rs945064716, ClinGen allele CA359057582.